The following is an entry in ClinVar:

NM_001111067.4(ACVR1):c.287G>A (p.Gly96Glu)

Gene: ACVR1 (activin A receptor type 1; minus strand). Cytogenetic location: 2q24.1.
Variant type: single nucleotide variant.
Coding change: c.287G>A on transcript NM_001111067.4 (MANE Select); coding-DNA position 287, G replaced by A.
Protein change: p.Gly96Glu; replaces glycine 96 with glutamic acid.
Molecular consequence: missense variant.
Genome position (GRCh38, 1-based): chr2:157,780,381, C>T on the plus strand (G>A on the coding strand, the complement: ACVR1 is on the minus strand). VCF-style: chr2-157780381-C-T. GRCh37 (hg19) VCF-style: chr2-158636893-C-T.
Other names: c.287G>A, p.Gly96Glu (NM_001105.5, NM_001347663.1, NM_001347664.1 and 3 more transcripts); short protein forms G96E.
Identifiers: ClinVar variation 2791329 (VCV002791329.3), dbSNP rs373678733, ClinGen allele CA59281056.

ClinVar aggregate classification (germline): Uncertain significance (1 of 4 stars; one submission).

Allele frequency attached by ClinVar (database versions not stated): TOPMed 0.00002; ESP Exome Variant Server 0.00008.

Submission:

Labcorp Genetics (formerly Invitae), Labcorp
Classification: Uncertain significance. Last evaluated: 2024-09-27. Review status: criteria provided, single submitter. Criteria: Invitae Variant Classification Sherloc (09022015). Collection method: clinical testing. Allele origin: germline.
Comment: This sequence change replaces glycine, which is neutral and non-polar, with glutamic acid, which is acidic and polar, at codon 96 of the ACVR1 protein (p.Gly96Glu). This variant is not present in population databases (gnomAD no frequency). This variant has not been reported in the literature in individuals affected with ACVR1-related conditions. An algorithm developed to predict the effect of missense changes on protein structure and function (PolyPhen-2) suggests that this variant is likely to be disruptive. In summary, the available evidence is currently insufficient to determine the role of this variant in disease. Therefore, it has been classified as a Variant of Uncertain Significance.